The following is an entry in ClinVar:

NM_001165963.4(SCN1A):c.2947-125G>T

Gene: SCN1A (sodium voltage-gated channel alpha subunit 1; minus strand). Cytogenetic location: 2q24.3.
Variant type: single nucleotide variant.
Coding change: c.2947-125G>T on transcript NM_001165963.4 (MANE Select); 125 bases into the intron before coding-DNA position 2947, G replaced by T.
Molecular consequence: intron variant.
Genome position (GRCh38, 1-based): chr2:166,036,655, C>A on the plus strand (G>T on the coding strand, the complement: SCN1A is on the minus strand). VCF-style: chr2-166036655-C-A. GRCh37 (hg19) VCF-style: chr2-166893165-C-A.
Other names: c.2914-125G>T (NM_001353949.2, NM_001353950.2, NM_001353951.2 and 2 more transcripts); c.2863-125G>T (NM_001353958.2, NM_001353957.2, NM_001165964.3); c.2947-125G>T (NM_001202435.3, NM_001353948.2); c.2911-125G>T (NM_001353955.2, NM_001353954.2); c.2860-125G>T (NM_001353960.2); c.505-125G>T (NM_001353961.2).
Identifiers: ClinVar variation 672967 (VCV000672967.1), dbSNP rs41265139, ClinGen allele CA59787774.

ClinVar aggregate classification (germline): Likely benign (1 of 4 stars; one submission).

Allele frequency attached by ClinVar (database versions not stated): 1000 Genomes Project 0.00339; gnomAD 0.00945 and 0.00989; 1000 Genomes Project 30x 0.00328; TOPMed 0.01023; gnomAD exomes 0.01558.
gnomAD v4.1: 13,215 of 915,744 alleles (1.4%); highest among the groups gnomAD compares: Non-Finnish European, 1.9%; 149 homozygotes.

Submission:

GeneDx
Classification: Likely benign. Last evaluated: 2018-06-19. Review status: criteria provided, single submitter. Criteria: GeneDx Variant Classification (06012015). Collection method: clinical testing. Allele origin: germline. Affected: yes.
Comment: This variant is considered likely benign or benign based on one or more of the following criteria: it is a conservative change, it occurs at a poorly conserved position in the protein, it is predicted to be benign by multiple in silico algorithms, and/or has population frequency not consistent with disease.